The following is an entry in ClinVar:

NM_001909.5(CTSD):c.827+2T>C

Gene: CTSD (cathepsin D; minus strand). Cytogenetic location: 11p15.5.
Variant type: single nucleotide variant.
Coding change: c.827+2T>C on transcript NM_001909.5 (MANE Select); the canonical splice donor site of the intron after coding-DNA position 827, T replaced by C.
Molecular consequence: splice donor variant.
Genome position (GRCh38, 1-based): chr11:1,754,904, A>G on the plus strand (T>C on the coding strand, the complement: CTSD is on the minus strand). VCF-style: chr11-1754904-A-G. GRCh37 (hg19) VCF-style: chr11-1776134-A-G.
Identifiers: ClinVar variation 852620 (VCV000852620.9), dbSNP rs1845791308, ClinGen allele CA379095003.
Genomic context (GRCh38, chr11:1,754,904, plus strand): 5'-GGGTCTCCGCACACCGCCCCCGCCCACAGAACCCAGGGGAGCCGACTGCAGCCACTACTC[A>G]CTGGTCCAGGTGGACCTGCCAGTAGGCCTTGCGGGTGACATTCAGGTAGGACAGAGAACC-3'

ClinVar aggregate classification (germline): Likely pathogenic (1 of 4 stars; one submission).

Conditions:
Neuronal ceroid lipofuscinosis. Also called: Neuronal Ceroid Lipofuscinoses. Identifiers: Orphanet 216, Orphanet 79263, MedGen C0027877, MONDO:0016295. Disease mechanism: loss of function.

Submission:

Labcorp Genetics (formerly Invitae), Labcorp
Classification: Likely pathogenic for Neuronal ceroid lipofuscinosis. Last evaluated: 2019-12-15. Review status: criteria provided, single submitter. Criteria: Invitae Variant Classification Sherloc (09022015). Collection method: clinical testing. Allele origin: germline.
Comment: This sequence change affects a donor splice site in intron 6 of the CTSD gene. It is expected to disrupt RNA splicing and likely results in an absent or disrupted protein product. This variant is not present in population databases (ExAC no frequency). This variant has not been reported in the literature in individuals with CTSD-related conditions. In summary, the currently available evidence indicates that the variant is pathogenic, but additional data are needed to prove that conclusively. Therefore, this variant has been classified as Likely Pathogenic. Donor and acceptor splice site variants typically lead to a loss of protein function (PMID: 16199547), and loss-of-function variants in CTSD are known to be pathogenic (PMID: 16670177, 26059544). Algorithms developed to predict the effect of sequence changes on RNA splicing suggest that this variant may disrupt the consensus splice site, but this prediction has not been confirmed by published transcriptional studies.

Literature cited by the submitters: PubMed 16199547; PubMed 16670177; PubMed 26059544.